The following is an entry in ClinVar:

NM_004260.4(RECQL4):c.1631T>C (p.Leu544Pro)

Gene: RECQL4 (RecQ like helicase 4; minus strand). Cytogenetic location: 8q24.3.
Variant type: single nucleotide variant.
Coding change: c.1631T>C on transcript NM_004260.4 (MANE Select); coding-DNA position 1631, T replaced by C.
Protein change: p.Leu544Pro; replaces leucine 544 with proline.
Molecular consequence: missense variant. On other transcripts: non-coding transcript variant (3).
Genome position (GRCh38, 1-based): chr8:144,514,515, A>G on the plus strand (T>C on the coding strand, the complement: RECQL4 is on the minus strand). VCF-style: chr8-144514515-A-G. GRCh37 (hg19) VCF-style: chr8-145739899-A-G.
Other names: c.560T>C, p.Leu187Pro (NM_001413040.1, NM_001413021.1, NM_001413022.1 and 7 more transcripts); c.494T>C, p.Leu165Pro (NM_001413041.1, NM_001413027.1, NM_001413030.1 and 2 more transcripts); c.530T>C, p.Leu177Pro (NM_001413042.1); c.164T>C, p.Leu55Pro (NM_001413043.1); c.1535T>C, p.Leu512Pro (NM_001413020.1, NM_001413017.1); c.1502T>C, p.Leu501Pro (NM_001413025.1); c.1280T>C, p.Leu427Pro (NM_001413029.1); c.1631T>C, p.Leu544Pro (NM_001413018.1, NM_001413019.1, NM_001413033.1 and 1 more transcripts); and 1 more; short protein forms L512P, L544P, L187P, L427P, L501P, L534P, L165P, L55P.
Identifiers: ClinVar variation 5028075 (VCV005028075.1).

ClinVar aggregate classification (germline): Uncertain significance (1 of 4 stars; one submission).

Conditions:
Inborn genetic diseases. Identifiers: MedGen C0950123, MeSH D030342.

Submission:

Ambry Genetics
Classification: Uncertain significance for Inborn genetic diseases. Last evaluated: 2026-06-24. Review status: criteria provided, single submitter. Criteria: Ambry Variant Classification Scheme 2023. Collection method: clinical testing. Allele origin: germline.
Comment: The p.L544P variant (also known as c.1631T>C), located in coding exon 10 of the RECQL4 gene, results from a T to C substitution at nucleotide position 1631. The leucine at codon 544 is replaced by proline, an amino acid with similar properties. This amino acid position is conserved. In addition, this alteration is predicted to be deleterious by in silico analysis. Based on the available evidence, the clinical significance of this variant remains unclear.